The following is an entry in ClinVar:

NM_005506.4(SCARB2):c.423+7A>C

Gene: SCARB2 (scavenger receptor class B member 2; minus strand). Cytogenetic location: 4q21.1.
Variant type: single nucleotide variant.
Coding change: c.423+7A>C on transcript NM_005506.4 (MANE Select); 7 bases into the intron after coding-DNA position 423, A replaced by C.
Molecular consequence: intron variant.
Genome position (GRCh38, 1-based): chr4:76,180,947, T>G on the plus strand (A>C on the coding strand, the complement: SCARB2 is on the minus strand). VCF-style: chr4-76180947-T-G. GRCh37 (hg19) VCF-style: chr4-77102100-T-G.
Other names: c.276-5037A>C (NM_001204255.2).
Identifiers: ClinVar variation 510830 (VCV000510830.9), dbSNP rs1380805649, ClinGen allele CA658796446.
Genomic context (GRCh38, chr4:76,180,947, plus strand): 5'-AGAGCATTAACTTAGCTTTTTCCTTTCTTCCAAAATCCAACTTAATGGTATTAAAATGCC[T>G]ACTTACCAATACAGGAATATTTAATGTTCTAATTAAGTCAATTTTAGGGTCTCCAACAGA-3'

ClinVar aggregate classification (germline): Likely benign. Review status: criteria provided, multiple submitters, no conflicts (2 of 4 stars). 2 submissions from 2 submitters: Likely benign (2). Last evaluated 2025-05-17.

Conditions:
Progressive myoclonic epilepsy. Also called: Familial progressive myoclonic epilepsy; Myoclonic Epilepsies, Progressive; Myoclonus epilepsy; Progressive myoclonus epilepsy. Identifiers: Orphanet 308, Orphanet 98261, MedGen C0751778, MONDO:0020074.

Allele frequency attached by ClinVar (database versions not stated): TOPMed below 0.00001; gnomAD 0.00001; gnomAD exomes 0.00002.
gnomAD v4.1: 25 of 1,608,444 alleles (0.0016%); highest among the groups gnomAD compares: Non-Finnish European, 0.0021%; no homozygotes.

Submissions (2):

Labcorp Genetics (formerly Invitae), Labcorp
Classification: Likely benign for Progressive myoclonic epilepsy. Last evaluated: 2025-05-17. Review status: criteria provided, single submitter. Criteria: Invitae Variant Classification Sherloc (09022015). Collection method: clinical testing. Allele origin: germline.

GeneDx
Classification: Likely benign. Last evaluated: 2017-07-18. Review status: criteria provided, single submitter. Criteria: GeneDx Variant Classification (06012015). Collection method: clinical testing. Allele origin: germline. Affected: yes.
Comment: This variant is considered likely benign or benign based on one or more of the following criteria: it is a conservative change, it occurs at a poorly conserved position in the protein, it is predicted to be benign by multiple in silico algorithms, and/or has population frequency not consistent with disease.